The following is an entry in ClinVar:

NM_001267550.2(TTN):c.26067C>G (p.Tyr8689Ter)

Gene: TTN (titin; minus strand). Cytogenetic location: 2q31.2.
Variant type: single nucleotide variant.
Coding change: c.26067C>G on transcript NM_001267550.2 (MANE Select); coding-DNA position 26067, C replaced by G.
Protein change: p.Tyr8689Ter; replaces tyrosine 8689 with a stop codon.
Molecular consequence: nonsense. On other transcripts: intron variant (3).
Genome position (GRCh38, 1-based): chr2:178,715,119, G>C on the plus strand (C>G on the coding strand, the complement: TTN is on the minus strand). VCF-style: chr2-178715119-G-C. GRCh37 (hg19) VCF-style: chr2-179579846-G-C.
Other names: c.25116C>G, p.Tyr8372Ter (NM_001256850.1); c.22335C>G, p.Tyr7445Ter (NM_133378.4); c.13282+22963C>G (NM_003319.4); c.13858+22963C>G (NM_133437.4); c.13657+22963C>G (NM_133432.3); short protein forms Y7445*, Y8372*, Y8689*.
Identifiers: ClinVar variation 1060561 (VCV001060561.9), dbSNP rs377125716, ClinGen allele CA349474970.

ClinVar aggregate classification (germline): Likely pathogenic (1 of 4 stars; one submission).

Conditions:
Autosomal recessive limb-girdle muscular dystrophy type 2J (LGMDR10). Also called: MUSCULAR DYSTROPHY, LIMB-GIRDLE, AUTOSOMAL RECESSIVE 10; Limb-girdle muscular dystrophy, type 2J. Identifiers: Orphanet 140922, MedGen C1837342, MONDO:0012127, OMIM 608807.
Dilated cardiomyopathy 1G (CMD1G). Identifiers: Orphanet 154, MedGen C1858763, MONDO:0011400, OMIM 604145.

Submission:

Labcorp Genetics (formerly Invitae), Labcorp
Classification: Likely pathogenic for Dilated cardiomyopathy 1G; Autosomal recessive limb-girdle muscular dystrophy type 2J. Last evaluated: 2024-01-02. Review status: criteria provided, single submitter. Criteria: Invitae Variant Classification Sherloc (09022015). Collection method: clinical testing. Allele origin: germline.
Comment: This sequence change creates a premature translational stop signal (p.Tyr8689*) in the TTN gene. While this is not anticipated to result in nonsense mediated decay, it is expected to create a truncated TTN protein. This variant is not present in population databases (gnomAD no frequency). This variant has not been reported in the literature in individuals affected with TTN-related conditions. ClinVar contains an entry for this variant (Variation ID: 1060561). This variant is located in the I band of TTN (PMID: 25589632). Truncating variants in this region have been reported in individuals affected with autosomal recessive centronuclear myopathy (PMID: 23975875). Truncating variants in this region have also been identified in individuals affected with autosomal dominant dilated cardiomyopathy and/or cardio-related conditions (PMID: 27869827, 32964742). In summary, the currently available evidence indicates that the variant is pathogenic, but additional data are needed to prove that conclusively. Therefore, this variant has been classified as Likely Pathogenic.

Literature cited by the submitters: PubMed 25589632; PubMed 23975875; PubMed 27869827; PubMed 32964742.